The following is an entry in ClinVar:

NM_001378183.1(PIEZO2):c.1504A>C (p.Ile502Leu)

Gene: PIEZO2 (piezo type mechanosensitive ion channel component 2; minus strand). Cytogenetic location: 18p11.22.
Variant type: single nucleotide variant.
Coding change: c.1504A>C on transcript NM_001378183.1 (MANE Select); coding-DNA position 1504, A replaced by C.
Protein change: p.Ile502Leu; replaces isoleucine 502 with leucine.
Molecular consequence: missense variant.
Genome position (GRCh38, 1-based): chr18:10,797,397, T>G on the plus strand (A>C on the coding strand, the complement: PIEZO2 is on the minus strand). VCF-style: chr18-10797397-T-G. GRCh37 (hg19) VCF-style: chr18-10797395-T-G.
Other names: c.1504A>C, p.Ile502Leu (NM_001410871.1, NM_022068.4); short protein forms I502L.
Identifiers: ClinVar variation 3384519 (VCV003384519.1).

ClinVar aggregate classification (germline): Uncertain significance (1 of 4 stars; one submission).

Submission:

GeneDx
Classification: Uncertain significance. Last evaluated: 2024-06-04. Review status: criteria provided, single submitter. Criteria: GeneDx Variant Classification Process June 2021. Collection method: clinical testing. Allele origin: germline. Affected: yes.
Comment: Has not been previously published as pathogenic or benign to our knowledge; Not observed at significant frequency in large population cohorts (gnomAD); In silico analysis indicates that this missense variant does not alter protein structure/function